The following is an entry in ClinVar:

ClinVar aggregate classification (germline): Uncertain significance (1 of 4 stars; one submission).

gnomAD v4.1: 1 of 1,524,562 alleles (0.000066%); highest among the groups gnomAD compares: Non-Finnish European, 0.000088%; no homozygotes.

Submission:

GeneDx
Classification: Uncertain significance. Last evaluated: 2023-04-05. Review status: criteria provided, single submitter. Criteria: GeneDx Variant Classification Process June 2021. Collection method: clinical testing. Allele origin: germline. Affected: yes.
Comment: Not observed at significant frequency in large population cohorts (gnomAD); Nonsense variant predicted to result in protein truncation or nonsense mediated decay in a gene or region of a gene for which loss of function is not a well-established mechanism of disease; Has not been previously published as pathogenic or benign to our knowledge; Variants in candidate genes are classified as variants of uncertain significance in accordance with ACMG guidelines (Richards et al., 2015)

NM_005475.3(SH2B3):c.191C>A (p.Ser64Ter)

Gene: SH2B3 (SH2B adaptor protein 3; plus strand). Cytogenetic location: 12q24.12.
Variant type: single nucleotide variant.
Coding change: c.191C>A on transcript NM_005475.3 (MANE Select); coding-DNA position 191, C replaced by A.
Protein change: p.Ser64Ter; replaces serine 64 with a stop codon.
Molecular consequence: nonsense.
Genome position (GRCh38, 1-based): chr12:111,418,336, C>A. VCF-style: chr12-111418336-C-A. GRCh37 (hg19) VCF-style: chr12-111856140-C-A.
Other names: short protein forms S64*.
Identifiers: ClinVar variation 3342985 (VCV003342985.1).